The following is an entry in ClinVar:

NM_001042492.3(NF1):c.7184dup (p.Leu2395fs)

Gene: NF1 (neurofibromin 1; plus strand). Cytogenetic location: 17q11.2.
Variant type: Duplication.
Coding change: c.7184dup on transcript NM_001042492.3 (MANE Select); coding-DNA position 7184, one base duplicated (T; older notation c.7184dupT).
Protein change: p.Leu2395fs; shifts the reading frame from leucine 2395.
Molecular consequence: frameshift variant.
Genome position (GRCh38, 1-based): chr17:31,343,130, T duplicated; the last of 4 consecutive T bases (chr17:31,343,127-31,343,130); duplicating any one gives the same sequence. VCF-style (leftmost placement, unchanged base first): chr17-31343126-C-CT. GRCh37 (hg19) VCF-style: chr17-29670144-C-CT.
Other names: c.7121dup, p.Leu2374Phefs (NM_000267.4); short protein forms L2374fs, L2395fs.
Identifiers: ClinVar variation 861173 (VCV000861173.5), dbSNP rs2069870374, ClinGen allele CA916080697.

ClinVar aggregate classification (germline): Pathogenic (1 of 4 stars; one submission).

Conditions:
Neurofibromatosis, type 1 (NF1). Also called: Neurofibromatosis, type I; VON RECKLINGHAUSEN DISEASE; Peripheral type neurofibromatosis; NEUROFIBROMATOSIS, TYPE I, SOMATIC. Identifiers: Orphanet 636, MedGen C0027831, MONDO:0018975, OMIM 162200. Disease mechanism: loss of function.

Submission:

Labcorp Genetics (formerly Invitae), Labcorp
Classification: Pathogenic for Neurofibromatosis, type 1. Last evaluated: 2019-03-06. Review status: criteria provided, single submitter. Criteria: Invitae Variant Classification Sherloc (09022015). Collection method: clinical testing. Allele origin: germline.
Comment: This sequence change creates a premature translational stop signal (p.Leu2374Phefs*27) in the NF1 gene. It is expected to result in an absent or disrupted protein product. For these reasons, this variant has been classified as Pathogenic. Loss-of-function variants in NF1 are known to be pathogenic (PMID: 10712197, 23913538). This variant has not been reported in the literature in individuals with NF1-related conditions.

Literature cited by the submitters: PubMed 10712197; PubMed 23913538.